The following is an entry in ClinVar:

NM_007272.3(CTRC):c.367G>A (p.Ala123Thr)

Gene: CTRC (chymotrypsin C; plus strand). Cytogenetic location: 1p36.21.
Variant type: single nucleotide variant.
Coding change: c.367G>A on transcript NM_007272.3 (MANE Select); coding-DNA position 367, G replaced by A.
Protein change: p.Ala123Thr; replaces alanine 123 with threonine.
Molecular consequence: missense variant.
Genome position (GRCh38, 1-based): chr1:15,443,429, G>A. VCF-style: chr1-15443429-G-A. GRCh37 (hg19) VCF-style: chr1-15769924-G-A.
Other names: short protein forms A123T.
Identifiers: ClinVar variation 3226069 (VCV003226069.1), dbSNP rs1223535291, ClinGen allele CA338565899.

ClinVar aggregate classification (germline): Uncertain significance (1 of 4 stars; one submission).

Conditions:
Hereditary pancreatitis (PCTT). Also called: Hereditary chronic pancreatitis; PRSS1-Related Hereditary Pancreatitis. Identifiers: Orphanet 676, MedGen C0238339, MONDO:0008185, OMIM 167800.

Allele frequency attached by ClinVar (database versions not stated): TOPMed below 0.00001; gnomAD 0.00001.

Submission:

Ambry Genetics
Classification: Uncertain significance for Hereditary pancreatitis. Last evaluated: 2023-12-25. Review status: criteria provided, single submitter. Criteria: Ambry Variant Classification Scheme 2023. Collection method: clinical testing. Allele origin: germline.
Comment: The p.A123T variant (also known as c.367G>A), located in coding exon 5 of the CTRC gene, results from a G to A substitution at nucleotide position 367. The alanine at codon 123 is replaced by threonine, an amino acid with similar properties. This amino acid position is conserved. In addition, this alteration is predicted to be deleterious by in silico analysis. Since supporting evidence is limited at this time, the clinical significance of this alteration remains unclear.